The following is an entry in ClinVar:

NM_001375524.1(TRRAP):c.2108A>G (p.Asn703Ser)

Gene: TRRAP (transformation/transcription domain associated protein; plus strand). Cytogenetic location: 7q22.1.
Variant type: single nucleotide variant.
Coding change: c.2108A>G on transcript NM_001375524.1 (MANE Select); coding-DNA position 2108, A replaced by G.
Protein change: p.Asn703Ser; replaces asparagine 703 with serine.
Molecular consequence: missense variant.
Genome position (GRCh38, 1-based): chr7:98,912,122, A>G. VCF-style: chr7-98912122-A-G. GRCh37 (hg19) VCF-style: chr7-98509745-A-G.
Other names: c.2108A>G, p.Asn703Ser (NM_001244580.2, NM_003496.4); short protein forms N703S.
Identifiers: ClinVar variation 2513341 (VCV002513341.29), dbSNP rs782709856, ClinGen allele CA4359688.

ClinVar aggregate classification (germline): Benign/Likely benign. Review status: criteria provided, multiple submitters, no conflicts (2 of 4 stars). 3 submissions from 3 submitters: Benign (1); Likely benign (2). Last evaluated 2025-09-11.

Conditions:
Inborn genetic diseases. Identifiers: MedGen C0950123, MeSH D030342.

Allele frequency attached by ClinVar (database versions not stated): TOPMed 0.00001; gnomAD 0.00007; ExAC 0.00009.
gnomAD v4.1: 93 of 1,614,054 alleles (0.0058%); highest among the groups gnomAD compares: South Asian, 0.0077%; no homozygotes.

Submissions (3):

Labcorp Genetics (formerly Invitae), Labcorp
Classification: Likely benign. Last evaluated: 2025-09-11. Review status: criteria provided, single submitter. Criteria: Invitae Variant Classification Sherloc (09022015). Collection method: clinical testing. Allele origin: germline.

Ambry Genetics
Classification: Likely benign for Inborn genetic diseases. Last evaluated: 2023-04-28. Review status: criteria provided, single submitter. Criteria: Ambry Variant Classification Scheme 2023. Collection method: clinical testing. Allele origin: germline.

CeGaT Center for Human Genetics Tuebingen
Classification: Benign. Last evaluated: 2022-12-01. Review status: criteria provided, single submitter. Criteria: CeGaT Center For Human Genetics Tuebingen Variant Classification Criteria Version 2. Collection method: clinical testing. Allele origin: germline. Affected: yes. Observed: 1 variant allele.
Comment: TRRAP: BS1, BS2